The following is an entry in ClinVar:

NM_018444.4(PDP1):c.1456G>A (p.Ala486Thr)

Gene: PDP1 (pyruvate dehydrogenase phosphatase catalytic subunit 1; plus strand). Cytogenetic location: 8q22.1.
Variant type: single nucleotide variant.
Coding change: c.1456G>A on transcript NM_018444.4 (MANE Select); coding-DNA position 1456, G replaced by A.
Protein change: p.Ala486Thr; replaces alanine 486 with threonine.
Molecular consequence: missense variant.
Genome position (GRCh38, 1-based): chr8:93,923,515, G>A. VCF-style: chr8-93923515-G-A. GRCh37 (hg19) VCF-style: chr8-94935743-G-A.
Other names: c.1531G>A, p.Ala511Thr (NM_001161779.2, NM_001161780.2); c.1456G>A, p.Ala486Thr (NM_001161781.2); short protein forms A486T, A511T.
Identifiers: ClinVar variation 842881 (VCV000842881.9), dbSNP rs1810351360, ClinGen allele CA371697467.

ClinVar aggregate classification (germline): Uncertain significance (1 of 4 stars; one submission).

Allele frequency attached by ClinVar (database versions not stated): gnomAD exomes 0.00001.
gnomAD v4.1: 13 of 1,607,262 alleles (0.00081%); highest among the groups gnomAD compares: African/African-American, 0.0013%; no homozygotes.

Submission:

Labcorp Genetics (formerly Invitae), Labcorp
Classification: Uncertain significance. Last evaluated: 2022-02-24. Review status: criteria provided, single submitter. Criteria: Invitae Variant Classification Sherloc (09022015). Collection method: clinical testing. Allele origin: germline.
Comment: ClinVar contains an entry for this variant (Variation ID: 842881). In summary, the available evidence is currently insufficient to determine the role of this variant in disease. Therefore, it has been classified as a Variant of Uncertain Significance. Algorithms developed to predict the effect of missense changes on protein structure and function (SIFT, PolyPhen-2, Align-GVGD) all suggest that this variant is likely to be disruptive. This variant has not been reported in the literature in individuals affected with PDP1-related conditions. This variant is not present in population databases (gnomAD no frequency). This sequence change replaces alanine, which is neutral and non-polar, with threonine, which is neutral and polar, at codon 486 of the PDP1 protein (p.Ala486Thr).